The following is an entry in ClinVar:

NM_000535.7(PMS2):c.2237T>A (p.Phe746Tyr)

Gene: PMS2 (PMS1 homolog 2, mismatch repair system component; minus strand). Cytogenetic location: 7p22.1.
Variant type: single nucleotide variant.
Coding change: c.2237T>A on transcript NM_000535.7 (MANE Select); coding-DNA position 2237, T replaced by A.
Protein change: p.Phe746Tyr; replaces phenylalanine 746 with tyrosine.
Molecular consequence: missense variant. On other transcripts: non-coding transcript variant (1).
Genome position (GRCh38, 1-based): chr7:5,978,634, A>T on the plus strand (T>A on the coding strand, the complement: PMS2 is on the minus strand). VCF-style: chr7-5978634-A-T. GRCh37 (hg19) VCF-style: chr7-6018265-A-T.
Other names: c.1832T>A, p.Phe611Tyr (NM_001018040.1, NM_001322003.2, NM_001322004.2 and 15 more transcripts); c.2081T>A, p.Phe694Tyr (NM_001322006.2, NM_001406870.1); c.1919T>A, p.Phe640Tyr (NM_001322007.2, NM_001322008.2, NM_001406876.1 and 1 more transcripts); c.1676T>A, p.Phe559Tyr (NM_001322010.2, NM_001406906.1, NM_001406907.1); c.1304T>A, p.Phe435Tyr (NM_001322011.2, NM_001322012.2); c.1664T>A, p.Phe555Tyr (NM_001322013.2, NM_001406908.1, NM_001406909.1); c.2237T>A, p.Phe746Tyr (NM_001322014.2); c.1928T>A, p.Phe643Tyr (NM_001322015.2, NM_001406875.1, NM_001406877.1 and 5 more transcripts); and 14 more; short protein forms F345Y, F489Y, F559Y, F634Y, F638Y, F643Y, F746Y, F435Y.
Identifiers: ClinVar variation 1992198 (VCV001992198.4), dbSNP rs2535391279, ClinGen allele CA366736647.

ClinVar aggregate classification (germline): Uncertain significance (1 of 4 stars; one submission).

Conditions:
Hereditary nonpolyposis colorectal neoplasms. Identifiers: MedGen C0009405, MeSH D003123.

Submission:

Labcorp Genetics (formerly Invitae), Labcorp
Classification: Uncertain significance for Hereditary nonpolyposis colorectal neoplasms. Last evaluated: 2025-06-17. Review status: criteria provided, single submitter. Criteria: Invitae Variant Classification Sherloc (09022015). Collection method: clinical testing. Allele origin: germline.
Comment: This sequence change replaces phenylalanine, which is neutral and non-polar, with tyrosine, which is neutral and polar, at codon 746 of the PMS2 protein (p.Phe746Tyr). The frequency data for this variant in the population databases (gnomAD) is considered unreliable due to the presence of homologous sequence, such as pseudogenes or paralogs, in the genome. This variant has not been reported in the literature in individuals affected with PMS2-related conditions. ClinVar contains an entry for this variant (Variation ID: 1992198). Invitae Evidence Modeling incorporating data from in vitro experimental studies (internal data) indicates that this missense variant is not expected to disrupt PMS2 function with a negative predictive value of 95%. In summary, the available evidence is currently insufficient to determine the role of this variant in disease. Therefore, it has been classified as a Variant of Uncertain Significance.